The following is an entry in ClinVar:

NM_005732.4(RAD50):c.3618+5G>T

Genes: TH2LCRR (T helper type 2 locus control region associated RNA; minus strand), TH2-LCR (Th2 cytokine locus control region; plus strand), RAD50 (RAD50 double strand break repair protein; plus strand). Cytogenetic location: 5q31.1.
Variant type: single nucleotide variant.
Coding change: c.3618+5G>T on transcript NM_005732.4 (MANE Select); 5 bases into the intron after coding-DNA position 3618, G replaced by T.
Molecular consequence: intron variant. On other transcripts: non-coding transcript variant (3).
Genome position (GRCh38, 1-based): chr5:132,638,228, G>T. VCF-style: chr5-132638228-G-T. GRCh37 (hg19) VCF-style: chr5-131973920-G-T.
Identifiers: ClinVar variation 484692 (VCV000484692.14), dbSNP rs1554100971, ClinGen allele CA446353502.

ClinVar aggregate classification (germline): Uncertain significance. Review status: criteria provided, multiple submitters, no conflicts (2 of 4 stars). 3 submissions from 3 submitters: Uncertain significance (3). Last evaluated 2026-02-11.

Conditions:
Hereditary cancer-predisposing syndrome. Also called: Tumor predisposition; Hereditary Cancer Syndrome; Neoplastic Syndromes, Hereditary; Hereditary neoplastic syndrome. Identifiers: Orphanet 140162, MedGen C0027672, MeSH D009386, MONDO:0015356.
Nijmegen breakage syndrome-like disorder (NBSLD). Also called: MICROCEPHALY AND SPONTANEOUS CHROMOSOME INSTABILITY WITHOUT IMMUNODEFICIENCY; NBS-LIKE DISORDER; RAD50 DEFICIENCY. Identifiers: Orphanet 240760, MedGen C2751318, MONDO:0013118, OMIM 613078.

Submissions (3):

Ambry Genetics
Classification: Uncertain significance for Hereditary cancer-predisposing syndrome. Last evaluated: 2026-02-11. Review status: criteria provided, single submitter. Criteria: Ambry Variant Classification Scheme 2023. Collection method: clinical testing. Allele origin: germline.
Comment: The c.3618+5G>T intronic variant results from a G to T substitution 5 nucleotides after coding exon 23 in the RAD50 gene. This nucleotide position is highly conserved in available vertebrate species. In silico splice site analysis predicts that this alteration will weaken the native splice donor site. Based on the available evidence, the clinical significance of this variant remains unclear.

Next Generation Genetic Polyclinic
Classification: Uncertain significance for Nijmegen breakage syndrome-like disorder. Last evaluated: 2025-03-19. Review status: criteria provided, single submitter. Criteria: ACMG Guidelines, 2015. Collection method: curation. Allele origin: germline. Affected: yes. Observed: 1 variant allele.
Comment: Novel splice region variant in RAD50 (c.3618+5G>T), located outside the canonical splice site but possibly affecting splicing. Computational predictions suggest a deleterious impact (PP3), but no functional validation is available. Variant is absent from population databases (PM2). Not previously reported. Detected in homozygous state. Currently classified as Variant of Uncertain Significance (VUS). Meets ACMG criteria: PM2, PP3 (limited evidence).

Labcorp Genetics (formerly Invitae), Labcorp
Classification: Uncertain significance for Hereditary cancer-predisposing syndrome. Last evaluated: 2023-02-01. Review status: criteria provided, single submitter. Criteria: Invitae Variant Classification Sherloc (09022015). Collection method: clinical testing. Allele origin: germline.
Comment: This sequence change falls in intron 23 of the RAD50 gene. It does not directly change the encoded amino acid sequence of the RAD50 protein. It affects a nucleotide within the consensus splice site. This variant is not present in population databases (gnomAD no frequency). This variant has not been reported in the literature in individuals affected with RAD50-related conditions. ClinVar contains an entry for this variant (Variation ID: 484692). Variants that disrupt the consensus splice site are a relatively common cause of aberrant splicing (PMID: 17576681, 9536098). Algorithms developed to predict the effect of sequence changes on RNA splicing suggest that this variant may disrupt the consensus splice site. In summary, the available evidence is currently insufficient to determine the role of this variant in disease. Therefore, it has been classified as a Variant of Uncertain Significance.

Literature cited by the submitters: PubMed 17576681 (cited by Labcorp Genetics (formerly Invitae), Labcorp); PubMed 9536098 (cited by Labcorp Genetics (formerly Invitae), Labcorp).